The following is an entry in ClinVar:

ClinVar aggregate classification (germline): Uncertain significance. Review status: criteria provided, multiple submitters, no conflicts (2 of 4 stars). 2 submissions from 2 submitters: Uncertain significance (2). Last evaluated 2021-06-01.

Conditions:
Charcot-Marie-Tooth disease axonal type 2P. Also called: Charcot-Marie-Tooth Neuropathy Type 2G; CHARCOT-MARIE-TOOTH DISEASE, AXONAL, TYPE 2G; CMT 2G; CHARCOT-MARIE-TOOTH NEUROPATHY, TYPE 2P. Identifiers: Orphanet 300319, Orphanet 99941, MedGen C3280797, MONDO:0013753, OMIM 614436.

Allele frequency attached by ClinVar (database versions not stated): gnomAD exomes below 0.00001.

Submissions (2):

Labcorp Genetics (formerly Invitae), Labcorp
Classification: Uncertain significance for Charcot-Marie-Tooth disease axonal type 2P. Last evaluated: 2021-06-01. Review status: criteria provided, single submitter. Criteria: Invitae Variant Classification Sherloc (09022015). Collection method: clinical testing. Allele origin: germline.
Comment: This sequence change replaces glutamic acid with lysine at codon 261 of the LRSAM1 protein (p.Glu261Lys). The glutamic acid residue is highly conserved and there is a small physicochemical difference between glutamic acid and lysine. This variant is not present in population databases (ExAC no frequency). This variant has not been reported in the literature in individuals with LRSAM1-related conditions. Algorithms developed to predict the effect of missense changes on protein structure and function are either unavailable or do not agree on the potential impact of this missense change (SIFT: "Deleterious"; PolyPhen-2: "Benign"; Align-GVGD: "Class C55"). In summary, the available evidence is currently insufficient to determine the role of this variant in disease. Therefore, it has been classified as a Variant of Uncertain Significance.

Breakthrough Genomics
Classification: Uncertain significance. Review status: criteria provided, single submitter. Criteria: ACMG Guidelines, 2015. Collection method: not provided. Allele origin: germline. Inheritance: Autosomal recessive inheritance. Affected: yes.

NM_001005373.4(LRSAM1):c.781G>A (p.Glu261Lys)

Gene: LRSAM1 (leucine rich repeat and sterile alpha motif containing 1; plus strand). Cytogenetic location: 9q33.3.
Variant type: single nucleotide variant.
Coding change: c.781G>A on transcript NM_001005373.4 (MANE Select); coding-DNA position 781, G replaced by A.
Protein change: p.Glu261Lys; replaces glutamic acid 261 with lysine.
Molecular consequence: missense variant. On other transcripts: 5 prime UTR variant (1), non-coding transcript variant (2).
Genome position (GRCh38, 1-based): chr9:127,479,383, G>A. VCF-style: chr9-127479383-G-A. GRCh37 (hg19) VCF-style: chr9-130241662-G-A.
Other names: c.781G>A, p.Glu261Lys (NM_001005374.4, NM_001190723.3, NM_001384142.1 and 2 more transcripts); c.-9G>A (NM_001384144.1); short protein forms E261K.
Identifiers: ClinVar variation 1481695 (VCV001481695.9), dbSNP rs2132062152, ClinGen allele CA374931067.
Genomic context (GRCh38, chr9:127,479,383, plus strand): 5'-TTCTGTGTCCTAACTCCCCCAGGGCCTGTGCTGACAGTCACCAGGATCTGTGTCTTGCAG[G>A]AACAGAAGATGCTGGAGAAACTCGAGTTTGAACGGCGCCTGGAACTGGGGCAGCGGGAGC-3'
Protein context (NP_001005373.1, residues 251-271): NRFSDYEKRK[Glu261Lys]QKMLEKLEFE